The following is an entry in ClinVar:

ClinVar aggregate classification (germline): Uncertain significance (1 of 4 stars; one submission).

Submission:

GeneDx
Classification: Uncertain significance. Last evaluated: 2022-01-11. Review status: criteria provided, single submitter. Criteria: GeneDx Variant Classification Process June 2021. Collection method: clinical testing. Allele origin: germline. Affected: yes.
Comment: Not observed at significant frequency in large population cohorts (gnomAD); In silico analysis supports that this missense variant has a deleterious effect on protein structure/function; Has not been previously published as pathogenic or benign to our knowledge

NM_001195263.2(PDZD7):c.1739A>C (p.His580Pro)

Gene: PDZD7 (PDZ domain containing 7; minus strand). Cytogenetic location: 10q24.31.
Variant type: single nucleotide variant.
Coding change: c.1739A>C on transcript NM_001195263.2 (MANE Select); coding-DNA position 1739, A replaced by C.
Protein change: p.His580Pro; replaces histidine 580 with proline.
Molecular consequence: missense variant.
Genome position (GRCh38, 1-based): chr10:101,015,646, T>G on the plus strand (A>C on the coding strand, the complement: PDZD7 is on the minus strand). VCF-style: chr10-101015646-T-G. GRCh37 (hg19) VCF-style: chr10-102775403-T-G.
Other names: short protein forms H580P.
Identifiers: ClinVar variation 1695757 (VCV001695757.2), dbSNP rs1460604773, ClinGen allele CA378226802.